The following is an entry in ClinVar:

ClinVar aggregate classification (germline): Benign/Likely benign. Review status: criteria provided, multiple submitters, no conflicts (2 of 4 stars). 12 submissions from 11 submitters: Benign (10); Likely benign (1). 1 of the submissions does not count toward it. Last evaluated 2026-04-02.

Conditions:
Retinal dystrophy. Also called: Inherited retinal dystrophy. Identifiers: Orphanet 71862, MedGen C0854723, MeSH D058499, MONDO:0019118, HP:0000556.
Retinitis pigmentosa 39 (RP39). Identifiers: Orphanet 791, MedGen C3151138, MONDO:0013436, OMIM 613809.
Usher syndrome type 2A. Also called: RETINAL DISEASE IN USHER SYNDROME TYPE IIA, MODIFIER OF; USHER SYNDROME, TYPE IIA. Identifiers: Orphanet 231178, Orphanet 886, MedGen C1848634, MONDO:0010169, OMIM 276901.

Allele frequency attached by ClinVar (database versions not stated): TOPMed 0.01730; 1000 Genomes Project 0.03674; ESP Exome Variant Server 0.01838; 1000 Genomes Project 30x 0.03748.
gnomAD v4.1: 18,010 of 1,614,038 alleles (1.1%); highest among the groups gnomAD compares: South Asian, 6.7%; 450 homozygotes.

Submissions (12):

Women's Health and Genetics/Laboratory Corporation of America, LabCorp
Classification: Likely benign. Last evaluated: 2026-04-02. Review status: criteria provided, single submitter. Criteria: LabCorp Variant Classification Summary - May 2015. Collection method: clinical testing. Allele origin: germline.

Labcorp Genetics (formerly Invitae), Labcorp
Classification: Benign. Last evaluated: 2026-02-04. Review status: criteria provided, single submitter. Criteria: Invitae Variant Classification Sherloc (09022015). Collection method: clinical testing. Allele origin: germline.

Genome-Nilou Lab
Classification: Benign for Retinitis pigmentosa 39. Last evaluated: 2023-11-04. Review status: criteria provided, single submitter. Criteria: ACMG Guidelines, 2015. Collection method: clinical testing. Allele origin: germline. Affected: no.

Genome-Nilou Lab
Classification: Benign for Usher syndrome type 2A. Last evaluated: 2023-11-04. Review status: criteria provided, single submitter. Criteria: ACMG Guidelines, 2015. Collection method: clinical testing. Allele origin: germline. Affected: no.

Dept Of Ophthalmology, Nagoya University
Classification: Benign for Retinal dystrophy. Last evaluated: 2023-10-01. Review status: criteria provided, single submitter. Criteria: Submitter's publication. Collection method: research. Allele origin: germline. Affected: yes.

ARUP Laboratories, Molecular Genetics and Genomics, ARUP Laboratories
Classification: Benign. Last evaluated: 2023-09-25. Review status: criteria provided, single submitter. Criteria: ARUP Molecular Germline Variant Investigation Process 2024. Collection method: clinical testing. Allele origin: germline.

Athena Diagnostics
Classification: Benign. Last evaluated: 2018-05-24. Review status: criteria provided, single submitter. Criteria: Athena Diagnostics Criteria. Collection method: clinical testing. Allele origin: germline.

Eurofins Ntd Llc (ga)
Classification: Benign. Last evaluated: 2014-05-21. Review status: criteria provided, single submitter. Criteria: EGL Classification Definitions 2015. Collection method: clinical testing. Allele origin: germline. Observed: 1 variant allele, 1 heterozygote.

GeneDx
Classification: Benign. Last evaluated: 2011-07-05. Review status: criteria provided, single submitter. Criteria: GeneDx Variant Classification (06012015). Collection method: clinical testing. Allele origin: germline. Affected: yes.
Comment: This variant is considered likely benign or benign based on one or more of the following criteria: it is a conservative change, it occurs at a poorly conserved position in the protein, it is predicted to be benign by multiple in silico algorithms, and/or has population frequency not consistent with disease.

Laboratory for Molecular Medicine, Mass General Brigham Personalized Medicine
Classification: Benign. Last evaluated: 2010-07-26. Review status: criteria provided, single submitter. Criteria: LMM Criteria. Collection method: clinical testing. Allele origin: germline. Observed: 55 variant alleles.
Comment: Gly4838Glu in exon 66 of USH2A: This variant is not expected to have clinical si gnificance because this amino acid position in not conserved (chimp has a Glu at this amino acid position) and is listed in dbSNP (rs41315587 - no frequency dat a). In addition, this variant has been identified in 4/191 (2.1%) of individuals tested by our laboratory with at least 3/4 of Black or Hispanic background sugg esting this variant is a common benign variant in these populations.

Breakthrough Genomics
Classification: Benign. Review status: criteria provided, single submitter. Criteria: ACMG Guidelines, 2015. Collection method: not provided. Allele origin: germline. Inheritance: Autosomal recessive inheritance. Affected: yes.

Natera, Inc.
Classification: Benign for Usher syndrome type 2A. Last evaluated: 2020-09-16. Review status: no assertion criteria provided. Collection method: clinical testing. Allele origin: germline. Not counted in ClinVar's aggregate classification.

Literature cited by the submitters: PubMed 20507924 (cited by Athena Diagnostics); PubMed 22004887 (cited by Athena Diagnostics).

NM_206933.4(USH2A):c.14513G>A (p.Gly4838Glu)

Gene: USH2A (usherin; minus strand). Cytogenetic location: 1q41.
Variant type: single nucleotide variant.
Coding change: c.14513G>A on transcript NM_206933.4 (MANE Select); coding-DNA position 14513, G replaced by A.
Protein change: p.Gly4838Glu; replaces glycine 4838 with glutamic acid.
Molecular consequence: missense variant.
Genome position (GRCh38, 1-based): chr1:215,648,597, C>T on the plus strand (G>A on the coding strand, the complement: USH2A is on the minus strand). VCF-style: chr1-215648597-C-T. GRCh37 (hg19) VCF-style: chr1-215821939-C-T.
Other names: p.G4838E:GGG>GAG; short protein forms G4838E.
Identifiers: ClinVar variation 48439 (VCV000048439.32), dbSNP rs41315587, ClinGen allele CA143354.
Genomic context (GRCh38, chr1:215,648,597, plus strand): 5'-ACACCATTGGGGAACATGGGGGGACTCCACCGGAAGGAGGCCGTCCTTGAGGCCAGCGTC[C>T]CGATTTGTGGAGAGGACAGTCCTGAGGGTGGGGCAGGATGGGTTCTCAGTTCAGCTGTCG-3'
Protein context (NP_996816.3, residues 4828-4848): PPSGLSSPQI[Gly4838Glu]TLASRTASFR